The following is an entry in ClinVar:

NM_001077525.3(MTMR14):c.74A>G (p.Gln25Arg)

Gene: MTMR14 (myotubularin related protein 14; plus strand). Cytogenetic location: 3p25.3.
Variant type: single nucleotide variant.
Coding change: c.74A>G on transcript NM_001077525.3 (MANE Select); coding-DNA position 74, A replaced by G.
Protein change: p.Gln25Arg; replaces glutamine 25 with arginine.
Molecular consequence: missense variant. On other transcripts: 5 prime UTR variant (23), non-coding transcript variant (9).
Genome position (GRCh38, 1-based): chr3:9,649,657, A>G. VCF-style: chr3-9649657-A-G. GRCh37 (hg19) VCF-style: chr3-9691341-A-G.
Other names: c.74A>G, p.Gln25Arg (NM_001077526.3, NM_001400519.1, NM_001400520.1 and 9 more transcripts); c.-60A>G (NM_001400518.1, NM_001400521.1, NM_001400525.1 and 4 more transcripts); c.-432A>G (NM_001400533.1, NM_001400539.1, NM_001400545.1); c.-493A>G (NM_001400534.1, NM_001400538.1, NM_001400541.1 and 2 more transcripts); c.-283A>G (NM_001400535.1); c.-460A>G (NM_001400540.1); c.-695A>G (NM_001400542.1); c.-254A>G (NM_001400543.1); and 4 more; short protein forms Q25R.
Identifiers: ClinVar variation 2052272 (VCV002052272.4), dbSNP rs771839057, ClinGen allele CA2240131.
Genomic context (GRCh38, chr3:9,649,657, plus strand): 5'-GGGCCGCCGCCGCCGCTGCCTCGGCGGGGTCCTCGGCCTCTTCAGGCAACCAGCCGCCTC[A>G]GGAGCTGGGGCTTGGGGAGCTGCTGGAGGAGTTCTCCCGGACTCAGTACCGGGCCAAGGA-3'
Protein context (NP_001070993.1, residues 15-35): SSASSGNQPP[Gln25Arg]ELGLGELLEE

ClinVar aggregate classification (germline): Uncertain significance (1 of 4 stars; one submission).

Allele frequency attached by ClinVar (database versions not stated): gnomAD exomes 0.00002; ExAC 0.00003.
gnomAD v4.1: 22 of 1,595,926 alleles (0.0014%); highest among the groups gnomAD compares: Non-Finnish European, 0.0019%; no homozygotes.

Submission:

Labcorp Genetics (formerly Invitae), Labcorp
Classification: Uncertain significance. Last evaluated: 2025-10-21. Review status: criteria provided, single submitter. Criteria: Invitae Variant Classification Sherloc (09022015). Collection method: clinical testing. Allele origin: germline.
Comment: This sequence change replaces glutamine, which is neutral and polar, with arginine, which is basic and polar, at codon 25 of the MTMR14 protein (p.Gln25Arg). This variant is present in population databases (rs771839057, gnomAD 0.001%). This variant has not been reported in the literature in individuals affected with MTMR14-related conditions. ClinVar contains an entry for this variant (Variation ID: 2052272). Invitae Evidence Modeling of protein sequence and biophysical properties (such as structural, functional, and spatial information, amino acid conservation, physicochemical variation, residue mobility, and thermodynamic stability) indicates that this missense variant is not expected to disrupt MTMR14 protein function with a negative predictive value of 80%. In summary, the available evidence is currently insufficient to determine the role of this variant in disease. Therefore, it has been classified as a Variant of Uncertain Significance.